The following is an entry in ClinVar:

NM_024426.6(WT1):c.806C>G (p.Pro269Arg)

Gene: WT1 (WT1 transcription factor; minus strand). Cytogenetic location: 11p13.
Variant type: single nucleotide variant.
Coding change: c.806C>G on transcript NM_024426.6 (MANE Select); coding-DNA position 806, C replaced by G.
Protein change: p.Pro269Arg; replaces proline 269 with arginine.
Molecular consequence: missense variant. On other transcripts: non-coding transcript variant (1).
Genome position (GRCh38, 1-based): chr11:32,428,037, G>C on the plus strand (C>G on the coding strand, the complement: WT1 is on the minus strand). VCF-style: chr11-32428037-G-C. GRCh37 (hg19) VCF-style: chr11-32449583-G-C.
Other names: c.806C>G, p.Pro269Arg (NM_000378.6, NM_001407044.1, NM_001407045.1 and 4 more transcripts); c.155C>G, p.Pro52Arg (NM_001198551.2, NM_001198552.2); c.683C>G, p.Pro228Arg (NM_001407047.1, NM_001407050.1); c.44C>G, p.Pro15Arg (NM_001407051.1); c.791C>G, p.Pro264Arg (NM_024425.2); short protein forms P269R, P52R, P15R, P228R.
Identifiers: ClinVar variation 543126 (VCV000543126.13), dbSNP rs756078681, ClinGen allele CA065646.

ClinVar aggregate classification (germline): Conflicting classifications of pathogenicity. Review status: criteria provided, conflicting classifications (1 of 4 stars). 3 submissions from 3 submitters: Uncertain significance (2); Likely benign (1). Last evaluated 2025-08-24.

Conditions:
Inborn genetic diseases. Identifiers: MedGen C0950123, MeSH D030342.
Wilms tumor 1 (WT1). Also called: Wilms tumor, somatic. Identifiers: Orphanet 654, MedGen CN033288, MONDO:0008679, OMIM 194070.
11p partial monosomy syndrome (WAGR). Also called: CHROMOSOME 11p13 DELETION SYNDROME; WAGR Spectrum Disorder; WAGR syndrome; WAGR Complex. Identifiers: Orphanet 893, MedGen C0206115, MONDO:0008681, OMIM 194072.
Frasier syndrome. Identifiers: Orphanet 347, MedGen C0950122, MeSH D052159, MONDO:0007635, OMIM 136680.
Drash syndrome (DDS). Also called: NEPHROPATHY, WILMS TUMOR, AND GENITAL ANOMALIES; WILMS TUMOR AND PSEUDO- OR TRUE HERMAPHRODITISM. Identifiers: Orphanet 220, MedGen C0950121, MONDO:0008682, OMIM 194080.

Allele frequency attached by ClinVar (database versions not stated): gnomAD 0.00002; gnomAD exomes 0.00002; TOPMed 0.00002; ExAC 0.00003.
gnomAD v4.1: 7 of 1,608,782 alleles (0.00044%); highest among the groups gnomAD compares: Admixed American, 0.012%; no homozygotes.

Submissions (3):

Labcorp Genetics (formerly Invitae), Labcorp
Classification: Uncertain significance for Wilms tumor 1; Drash syndrome; 11p partial monosomy syndrome; Frasier syndrome. Last evaluated: 2025-08-24. Review status: criteria provided, single submitter. Criteria: Invitae Variant Classification Sherloc (09022015). Collection method: clinical testing. Allele origin: germline.
Comment: This sequence change replaces proline, which is neutral and non-polar, with arginine, which is basic and polar, at codon 264 of the WT1 protein (p.Pro264Arg). This variant is present in population databases (rs756078681, gnomAD 0.01%). This variant has not been reported in the literature in individuals affected with WT1-related conditions. ClinVar contains an entry for this variant (Variation ID: 543126). Invitae Evidence Modeling of protein sequence and biophysical properties (such as structural, functional, and spatial information, amino acid conservation, physicochemical variation, residue mobility, and thermodynamic stability) indicates that this missense variant is expected to disrupt WT1 protein function with a positive predictive value of 80%. In summary, the available evidence is currently insufficient to determine the role of this variant in disease. Therefore, it has been classified as a Variant of Uncertain Significance.

Ambry Genetics
Classification: Likely benign for Inborn genetic diseases. Last evaluated: 2024-10-28. Review status: criteria provided, single submitter. Criteria: Ambry Variant Classification Scheme 2023. Collection method: clinical testing. Allele origin: germline.

All of Us Research Program, National Institutes of Health
Classification: Uncertain significance for Wilms tumor 1. Last evaluated: 2023-06-28. Review status: criteria provided, single submitter. Criteria: ACMG Guidelines, 2015. Collection method: clinical testing. Allele origin: germline. Inheritance: Autosomal dominant inheritance. Observed: 2 variant alleles, 2 heterozygotes.
Comment: This study involves interpretation of variants in research participants for the purpose of population health screening. Participant phenotype was not available at the time of variant classification. Additional details can be found in publication PMID: 35346344, PMCID: PMC8962531